The following is an entry in ClinVar:

ClinVar aggregate classification (germline): Benign/Likely benign. Review status: criteria provided, multiple submitters, no conflicts (2 of 4 stars). 7 submissions from 7 submitters: Benign (6); Likely benign (1). Last evaluated 2026-02-01.

Conditions:
Sotos syndrome (SOTOS). Also called: SOTOS SYNDROME 1; CEREBRAL GIGANTISM; Distinctive facial appearance, overgrowth in childhood, and learning disabilities or delayed development; CHROMOSOME 5q35 DELETION SYNDROME; Sotos' syndrome. Identifiers: Orphanet 821, MedGen C0175695, MONDO:0019349, OMIM 117550.
Inborn genetic diseases. Identifiers: MedGen C0950123, MeSH D030342.

Allele frequency attached by ClinVar (database versions not stated): gnomAD exomes 0.00472 and 0.00171; 1000 Genomes Project 0.01058; ESP Exome Variant Server 0.00008; gnomAD 0.00108 and 0.00188; 1000 Genomes Project 30x 0.01015; TOPMed 0.00128; ExAC 0.00492.
gnomAD v4.1: 2,886 of 1,614,146 alleles (0.18%); highest among the groups gnomAD compares: East Asian, 1.9%; 55 homozygotes.

Submissions (7):

Labcorp Genetics (formerly Invitae), Labcorp
Classification: Benign. Last evaluated: 2026-02-01. Review status: criteria provided, single submitter. Criteria: Invitae Variant Classification Sherloc (09022015). Collection method: clinical testing. Allele origin: germline.

Genome-Nilou Lab
Classification: Benign for Sotos syndrome. Last evaluated: 2021-07-15. Review status: criteria provided, single submitter. Criteria: ACMG Guidelines, 2015. Collection method: clinical testing. Allele origin: germline. Affected: no.

GeneDx
Classification: Benign. Last evaluated: 2018-01-17. Review status: criteria provided, single submitter. Criteria: GeneDx Variant Classification (06012015). Collection method: clinical testing. Allele origin: germline. Affected: yes.
Comment: This variant is considered likely benign or benign based on one or more of the following criteria: it is a conservative change, it occurs at a poorly conserved position in the protein, it is predicted to be benign by multiple in silico algorithms, and/or has population frequency not consistent with disease.

Ambry Genetics
Classification: Benign for Inborn genetic diseases. Last evaluated: 2017-01-25. Review status: criteria provided, single submitter. Criteria: Ambry Variant Classification Scheme 2023. Collection method: clinical testing. Allele origin: germline.

Eurofins Ntd Llc (ga)
Classification: Benign. Last evaluated: 2014-09-04. Review status: criteria provided, single submitter. Criteria: EGL Classification Definitions 2015. Collection method: clinical testing. Allele origin: germline. Observed: 1 variant allele, 1 heterozygote.

Genetic Services Laboratory, University of Chicago
Classification: Likely benign. Last evaluated: 2013-02-08. Review status: criteria provided, single submitter. Criteria: ACMG Guidelines, 2007. Collection method: clinical testing. Allele origin: germline. Inheritance: Autosomal dominant inheritance.

PreventionGenetics, part of Exact Sciences
Classification: Benign. Review status: criteria provided, single submitter. Criteria: ACMG Guidelines, 2015. Collection method: clinical testing. Allele origin: germline.

NM_022455.5(NSD1):c.339C>T (p.Cys113=)

Gene: NSD1 (nuclear receptor binding SET domain protein 1; plus strand). Cytogenetic location: 5q35.3.
Variant type: single nucleotide variant.
Coding change: c.339C>T on transcript NM_022455.5 (MANE Select); coding-DNA position 339, C replaced by T.
Protein change: p.Cys113=; no amino-acid change (cysteine 113 retained).
Molecular consequence: synonymous variant. On other transcripts: intron variant (7).
Genome position (GRCh38, 1-based): chr5:177,135,442, C>T. VCF-style: chr5-177135442-C-T. GRCh37 (hg19) VCF-style: chr5-176562443-C-T.
Other names: c.339C>T, p.Cys113= (NM_001409301.1, NM_001409302.1, NM_001409303.1 and 1 more transcripts); c.-37+242C>T (NM_001409305.1, NM_001409306.1, NM_001409308.1 and 4 more transcripts).
Identifiers: ClinVar variation 159308 (VCV000159308.25), dbSNP rs77093936, ClinGen allele CA172801.